The following is an entry in ClinVar:

NM_002878.4(RAD51D):c.372G>A (p.Val124=)

Genes: RAD51D (RAD51 paralog D; minus strand), RAD51L3-RFFL (RAD51L3-RFFL readthrough; minus strand). Cytogenetic location: 17q12.
Variant type: single nucleotide variant.
Coding change: c.372G>A on transcript NM_002878.4 (MANE Select); coding-DNA position 372, G replaced by A.
Protein change: p.Val124=; no amino-acid change (valine 124 retained).
Molecular consequence: synonymous variant. On other transcripts: non-coding transcript variant (1), intron variant (1).
Genome position (GRCh38, 1-based): chr17:35,107,096, C>T on the plus strand (G>A on the coding strand, the complement: RAD51D is on the minus strand). VCF-style: chr17-35107096-C-T. GRCh37 (hg19) VCF-style: chr17-33434115-C-T.
Other names: c.432G>A, p.Val144= (NM_001142571.2); c.145-615G>A (NM_133629.3).
Identifiers: ClinVar variation 824136 (VCV000824136.14), dbSNP rs1597862777, ClinGen allele CA499731742.

ClinVar aggregate classification (germline): Conflicting classifications of pathogenicity. Review status: criteria provided, conflicting classifications (1 of 4 stars). 4 submissions from 4 submitters: Uncertain significance (1); Benign (1); Likely benign (2). Last evaluated 2025-02-21.

Conditions:
Hereditary cancer-predisposing syndrome. Also called: Neoplastic Syndromes, Hereditary; Tumor predisposition; Hereditary neoplastic syndrome; Hereditary Cancer Syndrome. Identifiers: Orphanet 140162, MedGen C0027672, MeSH D009386, MONDO:0015356.
Breast-ovarian cancer, familial, susceptibility to, 4. Identifiers: Orphanet 145, MedGen C3280345, MONDO:0013669, OMIM 614291.

Allele frequency attached by ClinVar (database versions not stated): gnomAD exomes below 0.00001.
gnomAD v4.1: 1 of 1,614,040 alleles (0.000062%); highest among the groups gnomAD compares: Non-Finnish European, 0.000085%; no homozygotes.

Submissions (4):

Myriad Genetics, Inc.
Classification: Benign for Breast-ovarian cancer, familial, susceptibility to, 4. Last evaluated: 2025-02-21. Review status: criteria provided, single submitter. Criteria: Myriad Autosomal Dominant, Autosomal Recessive and X-Linked Classification Criteria (2023). Collection method: clinical testing. Allele origin: unknown.
Comment: This variant is considered benign. This variant is a silent/synonymous amino acid change and it is not expected to impact splicing.

Labcorp Genetics (formerly Invitae), Labcorp
Classification: Likely benign for Breast-ovarian cancer, familial, susceptibility to, 4. Last evaluated: 2024-07-24. Review status: criteria provided, single submitter. Criteria: Invitae Variant Classification Sherloc (09022015). Collection method: clinical testing. Allele origin: germline.

GeneDx
Classification: Uncertain significance. Last evaluated: 2022-03-02. Review status: criteria provided, single submitter. Criteria: GeneDx Variant Classification Process June 2021. Collection method: clinical testing. Allele origin: germline. Affected: yes.
Comment: Not observed at significant frequency in large population cohorts (gnomAD); In silico analysis supports that this variant does not alter splicing; Has not been previously published as pathogenic or benign to our knowledge

Ambry Genetics
Classification: Likely benign for Hereditary cancer-predisposing syndrome. Last evaluated: 2019-05-09. Review status: criteria provided, single submitter. Criteria: Ambry Variant Classification Scheme 2023. Collection method: clinical testing. Allele origin: germline.